The following is an entry in ClinVar:

NM_000360.4(TH):c.796G>T (p.Glu266Ter)

Gene: TH (tyrosine hydroxylase; minus strand). Cytogenetic location: 11p15.5.
Variant type: single nucleotide variant.
Coding change: c.796G>T on transcript NM_000360.4 (MANE Select); coding-DNA position 796, G replaced by T.
Protein change: p.Glu266Ter; replaces glutamic acid 266 with a stop codon.
Molecular consequence: nonsense.
Genome position (GRCh38, 1-based): chr11:2,166,932, C>A on the plus strand (G>T on the coding strand, the complement: TH is on the minus strand). VCF-style: chr11-2166932-C-A. GRCh37 (hg19) VCF-style: chr11-2188162-C-A.
Other names: c.889G>T, p.Glu297Ter (NM_199292.3); c.877G>T, p.Glu293Ter (NM_199293.3); short protein forms E266*, E293*, E297*.
Identifiers: ClinVar variation 2700013 (VCV002700013.3), dbSNP rs1846110840, ClinGen allele CA379126684.

ClinVar aggregate classification (germline): Pathogenic (1 of 4 stars; one submission).

Conditions:
TH-deficient dopa-responsive dystonia. Also called: Tyrosine Hydroxylase-Deficient Dopa-Responsive Dystonia; Segawa syndrome, autosomal recessive; DYT-TH. Identifiers: Orphanet 101150, MedGen C2673535, MONDO:0011551, OMIM 605407.

Submission:

Labcorp Genetics (formerly Invitae), Labcorp
Classification: Pathogenic for TH-deficient dopa-responsive dystonia. Last evaluated: 2023-06-09. Review status: criteria provided, single submitter. Criteria: Invitae Variant Classification Sherloc (09022015). Collection method: clinical testing. Allele origin: germline.
Comment: For these reasons, this variant has been classified as Pathogenic. Algorithms developed to predict the effect of sequence changes on RNA splicing suggest that this variant may disrupt the consensus splice site. This variant has not been reported in the literature in individuals affected with TH-related conditions. This variant is not present in population databases (gnomAD no frequency). This sequence change creates a premature translational stop signal (p.Glu297*) in the TH gene. It is expected to result in an absent or disrupted protein product. Loss-of-function variants in TH are known to be pathogenic (PMID: 22264700, 24753243).

Literature cited by the submitters: PubMed 22264700; PubMed 24753243.